The following is an entry in ClinVar:

NM_001377265.1(MAPT):c.1091T>C (p.Val364Ala)

Gene: MAPT (microtubule associated protein tau). Cytogenetic location: 17q21.31.
Variant type: single nucleotide variant.
Coding change: c.1091T>C on transcript NM_001377265.1 (MANE Select); coding-DNA position 1091, T replaced by C.
Protein change: p.Val364Ala; replaces valine 364 with alanine.
Molecular consequence: missense variant. On other transcripts: intron variant (8).
Genome position (GRCh38, 1-based): chr17:45,983,670, T>C. VCF-style: chr17-45983670-T-C. GRCh37 (hg19) VCF-style: chr17-44061036-T-C.
Other names: c.866T>C, p.Val289Ala (NM_001123066.4, NM_016835.5); c.1091T>C, p.Val364Ala (NM_001377266.1); c.200-3370T>C (NM_001377268.1, NM_016834.5, NM_016841.5); c.374-3370T>C (NM_005910.6, NM_001203252.2); c.287-3370T>C (NM_001123067.4, NM_001203251.2, NM_001377267.1); short protein forms V289A, V364A.
Identifiers: ClinVar variation 98200 (VCV000098200.13), dbSNP rs62063787, ClinGen allele CA225393.

ClinVar aggregate classification (germline): Benign. Review status: criteria provided, multiple submitters, no conflicts (2 of 4 stars). 7 submissions from 7 submitters: Benign (4). 3 of the submissions do not count toward it. Last evaluated 2026-01-12.

Conditions:
Frontotemporal dementia (FTD1). Also called: Frontotemporal Dementia with Parkinsonism-17 (FTDP-17); FRONTOTEMPORAL DEMENTIA WITH PARKINSONISM; FRONTOTEMPORAL LOBE DEMENTIA; MULTIPLE SYSTEM TAUOPATHY WITH PRESENILE DEMENTIA; Dementia, frontotemporal, with or without parkinsonism; WILHELMSEN-LYNCH DISEASE. Identifiers: Orphanet 282, MedGen C0338451, MONDO:0017276, OMIM 600274, HP:0002145.

Allele frequency attached by ClinVar (database versions not stated): 1000 Genomes Project 30x 0.08682; 1000 Genomes Project 0.08766; gnomAD 0.14368 and 0.14671; ExAC 0.14536; gnomAD exomes 0.14557 and 0.19434; TOPMed 0.15022; ESP Exome Variant Server 0.16569.

Submissions (7):

Labcorp Genetics (formerly Invitae), Labcorp
Classification: Benign for Frontotemporal dementia. Last evaluated: 2026-01-12. Review status: criteria provided, single submitter. Criteria: Invitae Variant Classification Sherloc (09022015). Collection method: clinical testing. Allele origin: germline.

GeneDx
Classification: Benign. Last evaluated: 2018-08-11. Review status: criteria provided, single submitter. Criteria: GeneDx Variant Classification Process June 2021. Collection method: clinical testing. Allele origin: germline. Affected: yes.
Comment: This variant is associated with the following publications: (PMID: 23222517)

Breakthrough Genomics
Classification: Benign. Review status: criteria provided, single submitter. Criteria: ACMG Guidelines, 2015. Collection method: not provided. Allele origin: germline. Inheritance: Autosomal recessive inheritance. Affected: yes.

PreventionGenetics, part of Exact Sciences
Classification: Benign. Review status: criteria provided, single submitter. Criteria: ACMG Guidelines, 2015. Collection method: clinical testing. Allele origin: germline.

Clinical Genetics, Academic Medical Center
Classification: Benign. Review status: no assertion criteria provided. Collection method: clinical testing. Allele origin: germline. Affected: yes. Study: VKGL Data-share Consensus. Not counted in ClinVar's aggregate classification.

Genome Diagnostics Laboratory, Amsterdam University Medical Center
Classification: Benign. Review status: no assertion criteria provided. Collection method: clinical testing. Allele origin: germline. Affected: yes. Study: VKGL Data-share Consensus. Not counted in ClinVar's aggregate classification.

VIB  Department of Molecular Genetics, University of Antwerp
No classification provided. Review status: no classification provided. Collection method: not provided. Allele origin: not provided. Not counted in ClinVar's aggregate classification.